The following is an entry in ClinVar:

NC_000009.12:g.(?_95135336)_(95135512_?)del

Gene: FANCC (FA complementation group C; minus strand). Cytogenetic location: 9q22.32.
Variant type: Deletion.
Identifiers: ClinVar variation 832560 (VCV000832560.5).

ClinVar aggregate classification (germline): Pathogenic (1 of 4 stars; one submission).

Conditions:
Fanconi anemia (FA). Also called: Fanconi's anemia. Identifiers: Orphanet 84, MedGen C0015625, MeSH D005199, MONDO:0019391.

Submission:

Labcorp Genetics (formerly Invitae), Labcorp
Classification: Pathogenic for Fanconi anemia. Last evaluated: 2021-12-25. Review status: criteria provided, single submitter. Criteria: Invitae Variant Classification Sherloc (09022015). Collection method: clinical testing. Allele origin: germline.
Comment: This variant is a gross deletion of the genomic region encompassing exon(s) 8 of the FANCC gene. This deletion is out-of-frame, and is expected to create a premature termination codon and result in an absent or disrupted protein product. Loss-of-function variants in FANCC are known to be pathogenic (PMID: 17924555). A similar copy number variant has been observed in individual(s) with Fanconi anemia (PMID: 25168418). For these reasons, this variant has been classified as Pathogenic.

Literature cited by the submitters: PubMed 17924555; PubMed 25168418.